The following is an entry in ClinVar:

NM_000090.4(COL3A1):c.4189G>A (p.Glu1397Lys)

Gene: COL3A1 (collagen type III alpha 1 chain; plus strand). Cytogenetic location: 2q32.2.
Variant type: single nucleotide variant.
Coding change: c.4189G>A on transcript NM_000090.4 (MANE Select); coding-DNA position 4189, G replaced by A.
Protein change: p.Glu1397Lys; replaces glutamic acid 1397 with lysine.
Molecular consequence: missense variant.
Genome position (GRCh38, 1-based): chr2:189,010,825, G>A. VCF-style: chr2-189010825-G-A. GRCh37 (hg19) VCF-style: chr2-189875551-G-A.
Other names: short protein forms E1397K.
Identifiers: ClinVar variation 947408 (VCV000947408.10), dbSNP rs768168922, ClinGen allele CA076498.

ClinVar aggregate classification (germline): Uncertain significance (1 of 4 stars; one submission).

Conditions:
Ehlers-Danlos syndrome, type 4 (EDSVASC). Also called: Ehlers-Danlos syndrome vascular type; Ehlers Danlos syndrome, ecchymotic type; Ehlers Danlos syndrome, arterial type; Ehlers Danlos syndrome, Sack-Barabas type; Ehlers-Danlos Syndrome Type IV. Identifiers: Orphanet 286, MedGen C0268338, MONDO:0017314, OMIM 130050.

Allele frequency attached by ClinVar (database versions not stated): gnomAD exomes below 0.00001; ExAC 0.00001.
gnomAD v4.1: 1 of 1,614,168 alleles (0.000062%); highest among the groups gnomAD compares: South Asian, 0.0011%; no homozygotes.

Submission:

Labcorp Genetics (formerly Invitae), Labcorp
Classification: Uncertain significance for Ehlers-Danlos syndrome, type 4. Last evaluated: 2019-07-05. Review status: criteria provided, single submitter. Criteria: Invitae Variant Classification Sherloc (09022015). Collection method: clinical testing. Allele origin: germline.
Comment: In summary, the available evidence is currently insufficient to determine the role of this variant in disease. Therefore, it has been classified as a Variant of Uncertain Significance. Algorithms developed to predict the effect of missense changes on protein structure and function are either unavailable or do not agree on the potential impact of this missense change (SIFT: "Deleterious"; PolyPhen-2: "Not Available"; Align-GVGD: "Class C0"). This sequence change replaces glutamic acid with lysine at codon 1397 of the COL3A1 protein (p.Glu1397Lys). The glutamic acid residue is highly conserved and there is a small physicochemical difference between glutamic acid and lysine. This variant is present in population databases (rs768168922, ExAC 0.006%). This variant has not been reported in the literature in individuals with COL3A1-related conditions.